The following is an entry in ClinVar:

ClinVar aggregate classification (germline): Uncertain significance (1 of 4 stars; one submission).

Submission:

GeneDx
Classification: Uncertain significance. Last evaluated: 2022-04-18. Review status: criteria provided, single submitter. Criteria: GeneDx Variant Classification Process June 2021. Collection method: clinical testing. Allele origin: germline. Affected: yes.
Comment: Not observed at significant frequency in large population cohorts (gnomAD); In silico analysis supports that this missense variant does not alter protein structure/function; Has not been previously published as pathogenic or benign to our knowledge

NM_032436.4(CHAMP1):c.1943G>A (p.Gly648Asp)

Gene: CHAMP1 (chromosome alignment maintaining phosphoprotein 1; plus strand). Cytogenetic location: 13q34.
Variant type: single nucleotide variant.
Coding change: c.1943G>A on transcript NM_032436.4 (MANE Select); coding-DNA position 1943, G replaced by A.
Protein change: p.Gly648Asp; replaces glycine 648 with aspartic acid.
Molecular consequence: missense variant.
Genome position (GRCh38, 1-based): chr13:114,325,785, G>A. VCF-style: chr13-114325785-G-A. GRCh37 (hg19) VCF-style: chr13-115091260-G-A.
Other names: c.1943G>A, p.Gly648Asp (NM_001164144.3, NM_001164145.3); short protein forms G648D.
Identifiers: ClinVar variation 1712188 (VCV001712188.2), dbSNP rs138968646, ClinGen allele CA388850035.